The following is an entry in ClinVar:

ClinVar aggregate classification (germline): Uncertain significance (1 of 4 stars; one submission).

Submission:

Labcorp Genetics (formerly Invitae), Labcorp
Classification: Uncertain significance. Last evaluated: 2022-05-01. Review status: criteria provided, single submitter. Criteria: Invitae Variant Classification Sherloc (09022015). Collection method: clinical testing. Allele origin: germline.
Comment: This variant has not been reported in the literature in individuals affected with A2ML1-related conditions. This variant is not present in population databases (gnomAD no frequency). This sequence change replaces leucine, which is neutral and non-polar, with valine, which is neutral and non-polar, at codon 114 of the A2ML1 protein (p.Leu114Val). Algorithms developed to predict the effect of missense changes on protein structure and function are either unavailable or do not agree on the potential impact of this missense change (SIFT: "Tolerated"; PolyPhen-2: "Possibly Damaging"; Align-GVGD: "Class C0"). In summary, the available evidence is currently insufficient to determine the role of this variant in disease. Therefore, it has been classified as a Variant of Uncertain Significance.

NM_144670.6(A2ML1):c.340C>G (p.Leu114Val)

Genes: A2ML1-AS1 (A2ML1 antisense RNA 1; minus strand), A2ML1 (alpha-2-macroglobulin like 1; plus strand). Cytogenetic location: 12p13.31.
Variant type: single nucleotide variant.
Coding change: c.340C>G on transcript NM_144670.6 (MANE Select); coding-DNA position 340, C replaced by G.
Protein change: p.Leu114Val; replaces leucine 114 with valine.
Molecular consequence: missense variant.
Genome position (GRCh38, 1-based): chr12:8,823,813, C>G. VCF-style: chr12-8823813-C-G. GRCh37 (hg19) VCF-style: chr12-8976409-C-G.
Other names: short protein forms L114V.
Identifiers: ClinVar variation 2055894 (VCV002055894.4), dbSNP rs1592095091, ClinGen allele CA383819199.